The following is an entry in ClinVar:

NM_003183.6(ADAM17):c.512A>T (p.Asp171Val)

Gene: ADAM17 (ADAM metallopeptidase domain 17; minus strand). Cytogenetic location: 2p25.1.
Variant type: single nucleotide variant.
Coding change: c.512A>T on transcript NM_003183.6 (MANE Select); coding-DNA position 512, A replaced by T.
Protein change: p.Asp171Val; replaces aspartic acid 171 with valine.
Molecular consequence: missense variant. On other transcripts: 5 prime UTR variant (2).
Genome position (GRCh38, 1-based): chr2:9,527,893, T>A on the plus strand (A>T on the coding strand, the complement: ADAM17 is on the minus strand). VCF-style: chr2-9527893-T-A. GRCh37 (hg19) VCF-style: chr2-9668022-T-A.
Other names: c.-169A>T (NM_001382777.1); c.-411A>T (NM_001382778.1); short protein forms D171V.
Identifiers: ClinVar variation 2103845 (VCV002103845.4), dbSNP rs2527362182, ClinGen allele CA345784213.
Genomic context (GRCh38, chr2:9,527,893, plus strand): 5'-TTATCCACTTTTAAATAACCACACACTTTTGGAGACTGCAAACGTGAAACATTCTTGATA[T>A]CTTCAGATTTATAAACTAACATTCTTTTGTCTTTGGTATCATTAACAAATCTCCAAAGTG-3'
Protein context (NP_003174.3, residues 161-181): DKRMLVYKSE[Asp171Val]IKNVSRLQSP

ClinVar aggregate classification (germline): Uncertain significance (1 of 4 stars; one submission).

Conditions:
Inflammatory skin and bowel disease, neonatal, 1. Identifiers: Orphanet 294023, MedGen C3280501, MONDO:0013693, OMIM 614328.

Submission:

Labcorp Genetics (formerly Invitae), Labcorp
Classification: Uncertain significance for Inflammatory skin and bowel disease, neonatal, 1. Last evaluated: 2022-02-27. Review status: criteria provided, single submitter. Criteria: Invitae Variant Classification Sherloc (09022015). Collection method: clinical testing. Allele origin: germline.
Comment: In summary, the available evidence is currently insufficient to determine the role of this variant in disease. Therefore, it has been classified as a Variant of Uncertain Significance. Algorithms developed to predict the effect of missense changes on protein structure and function are either unavailable or do not agree on the potential impact of this missense change (SIFT: "Not Available"; PolyPhen-2: "Possibly Damaging"; Align-GVGD: "Not Available"). This variant has not been reported in the literature in individuals affected with ADAM17-related conditions. This variant is not present in population databases (gnomAD no frequency). This sequence change replaces aspartic acid, which is acidic and polar, with valine, which is neutral and non-polar, at codon 171 of the ADAM17 protein (p.Asp171Val).